The following is an entry in ClinVar:

NM_000122.2(ERCC3):c.1115_1120dup (p.Trp374Ter)

Gene: ERCC3 (ERCC excision repair 3, TFIIH core complex helicase subunit; minus strand). Cytogenetic location: 2q14.3.
Variant type: Duplication.
Coding change: c.1115_1120dup on transcript NM_000122.2 (MANE Select); coding-DNA positions 1115 to 1120, 6 bases duplicated (AGCAGT; older notation c.1115_1120dupAGCAGT).
Protein change: p.Trp374Ter; replaces tryptophan 374 with a stop codon.
Molecular consequence: nonsense.
Genome position (GRCh38, 1-based): chr2:127,286,925-127,286,930, ACTGCT duplicated on the plus strand (AGCAGT on the coding strand, the reverse complement: ERCC3 is on the minus strand). VCF-style (leftmost placement, unchanged base first): chr2-127286924-C-CACTGCT. GRCh37 (hg19) VCF-style: chr2-128044500-C-CACTGCT.
Other names: c.1115_1120dupAGCAGT (NM_000122.2, NM_000122.1); c.923_928dup, p.Trp310Ter (NM_001303416.2, NM_001303418.2); short protein forms W310*, W374*.
Identifiers: ClinVar variation 1335950 (VCV001335950.15), dbSNP rs778865255, ClinGen allele CA1858349.
Genomic context (GRCh38, chr2:127,286,924, plus strand): 5'-GAGGTGAACCGGCAGATCTGGCTGTCGTCAATGGTGGACCACATCTTGAACTGGGCTTTC[C>CACTGCT]ACTGCTCCACAGAAACAGCTGAGTTGCCCAGCACCAGACAGCGTTTTCTGACAGTGCATG-3'

ClinVar aggregate classification (germline): Pathogenic/Likely pathogenic. Review status: criteria provided, multiple submitters, no conflicts (2 of 4 stars). 7 submissions from 7 submitters: Pathogenic (2); Likely pathogenic (5). Last evaluated 2026-03-17.

Conditions:
ERCC3-related disorder. Also called: ERCC3-related condition.
Xeroderma pigmentosum (XP). Identifiers: Orphanet 910, MedGen C0043346, MONDO:0019600.
Xeroderma pigmentosum group B. Also called: ERCC3-Related Xeroderma Pigmentosum; XPB/CS; XERODERMA PIGMENTOSUM B/COCKAYNE SYNDROME; XP, GROUP B. Identifiers: MedGen C0268136, MONDO:0012531, OMIM 610651.
Trichothiodystrophy 2, photosensitive (TTD2). Identifiers: Orphanet 33364, MedGen C4225344, MONDO:0014615, OMIM 616390.

Allele frequency attached by ClinVar (database versions not stated): ExAC 0.00003; gnomAD 0.00003; gnomAD exomes 0.00003 and 0.00010; TOPMed 0.00003; ESP Exome Variant Server 0.00008.

Submissions (7):

Dasa
Classification: Likely pathogenic. Last evaluated: 2026-03-17. Review status: criteria provided, single submitter. Criteria: DASA Assertion Criteria. Collection method: clinical testing. Allele origin: germline.
Comment: NM_000122.2(ERCC3):c.1115_1120dup (p.Trp374*) introduces a premature termination codon predicted to result in loss of normal protein function. Loss-of-function is an established mechanism of disease for this gene. This variant has been observed in affected individuals with related phenotype in a genotype context consistent with recessive disease (PMID: 34308104; PMID: 33332384; PMID: 16947863). This variant has been recurrently observed in individuals with related phenotype (PMID: 34308104; PMID: 33332384; PMID: 16947863). The variant is present at low frequency in population datasets. Based on the available data, this variant is classified as likely pathogenic.

Labcorp Genetics (formerly Invitae), Labcorp
Classification: Pathogenic. Last evaluated: 2026-01-14. Review status: criteria provided, single submitter. Criteria: Invitae Variant Classification Sherloc (09022015). Collection method: clinical testing. Allele origin: germline.
Comment: This sequence change creates a premature translational stop signal (p.Trp374*) in the ERCC3 gene. It is expected to result in an absent or disrupted protein product. Loss-of-function variants in ERCC3 are known to be pathogenic (PMID: 16947863). This variant is present in population databases (rs778865255, gnomAD 0.006%). This variant has not been reported in the literature in individuals affected with ERCC3-related conditions. ClinVar contains an entry for this variant (Variation ID: 1335950). For these reasons, this variant has been classified as Pathogenic.

Women's Health and Genetics/Laboratory Corporation of America, LabCorp
Classification: Pathogenic for Xeroderma pigmentosum. Last evaluated: 2025-06-19. Review status: criteria provided, single submitter. Criteria: LabCorp Variant Classification Summary - May 2015. Collection method: clinical testing. Allele origin: germline.
Comment: Variant summary: ERCC3 c.1115_1120dupAGCAGT (p.Trp374X) results in a premature termination codon, predicted to cause a truncation of the encoded protein or absence of the protein due to nonsense mediated decay, which are commonly known mechanisms for disease. The variant allele was found at a frequency of 3.2e-05 in 251448 control chromosomes (gnomAD). To our knowledge, no experimental evidence demonstrating an impact on protein function has been reported. The following publications have been ascertained in the context of this evaluation (PMID: 33332384, 34308104). ClinVar contains an entry for this variant (Variation ID: 1335950). Based on the evidence outlined above, the variant was classified as pathogenic.

Blueprint Genetics
Classification: Likely pathogenic for ERCC3-related disorders. Last evaluated: 2024-09-13. Review status: criteria provided, single submitter. Criteria: ACMG Guidelines, 2015. Collection method: clinical testing. Allele origin: germline. Affected: yes. Observed: 5 variant alleles.

GeneDx
Classification: Likely pathogenic. Last evaluated: 2022-04-25. Review status: criteria provided, single submitter. Criteria: GeneDx Variant Classification Process June 2021. Collection method: clinical testing. Allele origin: germline. Affected: yes.
Comment: Nonsense variant predicted to result in protein truncation or nonsense mediated decay in a gene for which loss of function is a known mechanism of disease; Not observed at significant frequency in large population cohorts (gnomAD); Has not been previously published as pathogenic or benign to our knowledge

Fulgent Genetics
Classification: Likely pathogenic for Xeroderma pigmentosum group B; Trichothiodystrophy 2, photosensitive. Last evaluated: 2021-09-14. Review status: criteria provided, single submitter. Criteria: ACMG Guidelines, 2015. Collection method: clinical testing. Allele origin: unknown.

Genetic Services Laboratory, University of Chicago
Classification: Likely pathogenic. Last evaluated: 2020-08-04. Review status: criteria provided, single submitter. Criteria: ACMG Guidelines, 2015. Collection method: clinical testing. Allele origin: germline. Affected: yes.
Comment: DNA sequence analysis of the ERCC3 gene demonstrated a six-base pair duplication in exon 8, c.1115_1120dup. This sequence change results in a premature stop codon at amino acid position 374, p.Trp374*. This sequence change is predicted to result in an abnormal transcript, which may be degraded, or may lead to the production of a truncated ERCC3 protein with potentially abnormal function. This sequence change has not been previously described in patient with ERCC3-related disorders. Other truncating sequence changes, upstream and downstream to this position, have been reported in association with ERCC3-related disorders (PMIDs: 16947863). This sequence change has been described in the gnomAD database with a low population frequency of 0.003% (dbSNP rs778865255). Collectively, these evidences indicate that, this sequence change is likely pathogenic, however functional studies have not been performed to prove this conclusively.

Literature cited by the submitters: PubMed 34308104 (cited by Dasa and Women's Health and Genetics/Laboratory Corporation of America, LabCorp); PubMed 33332384 (cited by Dasa and Women's Health and Genetics/Laboratory Corporation of America, LabCorp); PubMed 16947863 (cited by Dasa and Labcorp Genetics (formerly Invitae), Labcorp).